The following is an entry in ClinVar:

ClinVar aggregate classification (germline): Uncertain significance (1 of 4 stars; one submission).

Conditions:
Dyskeratosis congenita. Identifiers: Orphanet 1775, MedGen C0265965, MONDO:0015780.

gnomAD v4.1: 3 of 1,614,148 alleles (0.00019%); highest among the groups gnomAD compares: African/African-American, 0.0013%; no homozygotes.

Submission:

Labcorp Genetics (formerly Invitae), Labcorp
Classification: Uncertain significance for Dyskeratosis congenita. Last evaluated: 2024-05-01. Review status: criteria provided, single submitter. Criteria: Invitae Variant Classification Sherloc (09022015). Collection method: clinical testing. Allele origin: germline.
Comment: This sequence change replaces aspartic acid, which is acidic and polar, with histidine, which is basic and polar, at codon 1109 of the CTC1 protein (p.Asp1109His). This variant is not present in population databases (gnomAD no frequency). This variant has not been reported in the literature in individuals affected with CTC1-related conditions. Advanced modeling of protein sequence and biophysical properties (such as structural, functional, and spatial information, amino acid conservation, physicochemical variation, residue mobility, and thermodynamic stability) performed at Invitae indicates that this missense variant is not expected to disrupt CTC1 protein function with a negative predictive value of 80%. In summary, the available evidence is currently insufficient to determine the role of this variant in disease. Therefore, it has been classified as a Variant of Uncertain Significance.

NM_025099.6(CTC1):c.3325G>C (p.Asp1109His)

Gene: CTC1 (CST telomere replication complex component 1; minus strand). Cytogenetic location: 17p13.1.
Variant type: single nucleotide variant.
Coding change: c.3325G>C on transcript NM_025099.6 (MANE Select); coding-DNA position 3325, G replaced by C.
Protein change: p.Asp1109His; replaces aspartic acid 1109 with histidine.
Molecular consequence: missense variant. On other transcripts: non-coding transcript variant (1), intron variant (1).
Genome position (GRCh38, 1-based): chr17:8,228,789, C>G on the plus strand (G>C on the coding strand, the complement: CTC1 is on the minus strand). VCF-style: chr17-8228789-C-G. GRCh37 (hg19) VCF-style: chr17-8132107-C-G.
Other names: c.3157-160G>C (NM_001411067.1); short protein forms D1109H.
Identifiers: ClinVar variation 3719831 (VCV003719831.2).
Genomic context (GRCh38, chr17:8,228,789, plus strand): 5'-CAAGTTGGGCTCCAGGCCCTGCAAACTGCAAGACCACTCTGCCTGGCACTTGGACGAAAT[C>G]TAGGAGGGAGGCCCACTCTCTAGGACACAGCCCTAGTGCTGCTGCCACATGGTGATTCCT-3'
Protein context (NP_079375.3, residues 1099-1119): LCPREWASLL[Asp1109His]FVQVPGRVVL